The following is an entry in ClinVar:

ClinVar aggregate classification (germline): Pathogenic (1 of 4 stars; one submission).

Conditions:
Carney complex, type 1 (CNC1). Also called: CARNEY COMPLEX, TYPE I; CARNEY MYXOMA-ENDOCRINE COMPLEX. Identifiers: Orphanet 1359, MedGen C2607929, MONDO:0008057, OMIM 160980.

Submission:

Labcorp Genetics (formerly Invitae), Labcorp
Classification: Pathogenic for Carney complex, type 1. Last evaluated: 2025-04-25. Review status: criteria provided, single submitter. Criteria: Invitae Variant Classification Sherloc (09022015). Collection method: clinical testing. Allele origin: germline.
Comment: This sequence change inserts a large fragment of DNA, likely a transposable element, in exon 4 of the PRKAR1A gene (c.417_418ins?), causing a frameshift at codon 140 (p.His140fs). The exact size and sequence of the insertion cannot be determined by the current assay. However, the insertion is expected to result in an absent or disrupted protein product. This variant is not present in population databases (gnomAD no frequency). This variant has not been reported in the literature in individuals affected with PRKAR1A-related conditions. Retrotransposon insertions including LINE1 (L1), Alu, and SVA (SINE-VNTR-Alu) have been reported to be disease-causing through disruption of either a coding region or splice site (PMID: 19763152, 20307669, 22406018) and loss-of-function variants in PRKAR1A are known to be pathogenic (PMID: 11115848, 19293268). For these reasons, this variant has been classified as Pathogenic.

Literature cited by the submitters: PubMed 19763152; PubMed 20307669; PubMed 22406018; PubMed 11115848; PubMed 19293268.

NM_002734.5(PRKAR1A):c.417_418insGCATGGTACTGGTACCAAAACAGAGATATAGATCAATGGAACAGAACAGAGCCCTCAGAAATANNNNNNNNNNAAAAAAAAAAAAAAAAAAAAAAAAGAATGTGCTGTTTTCA (p.His140fs)

Gene: PRKAR1A (protein kinase cAMP-dependent type I regulatory subunit alpha; plus strand). Cytogenetic location: 17q24.2.
Variant type: Microsatellite.
Coding change: c.417_418insGCATGGTACTGGTACCAAAACAGAGATATAGATCAATGGAACAGAACAGAGCCCTCAGAAATANNNNNNNNNNAAAAAAAAAAAAAAAAAAAAAAAAGAATGTGCTGTTTTCA on transcript NM_002734.5 (MANE Select); coding-DNA positions 417 to 418, GCATGGTACTGGTACCAAAACAGAGATATAGATCAATGGAACAGAACAGAGCCCTCAGAAATANNNNNNNNNNAAAAAAAAAAAAAAAAAAAAAAAAGAATGTGCTGTTTTCA inserted.
Protein change: p.His140fs; shifts the reading frame from histidine 140.
Molecular consequence: frameshift variant.
Genome position: GRCh38: chr17:68,523,774-68,523,793. GRCh37 (hg19), VCF-style position (the base before the change): chr17:66,519,914.
Other names: c.417_418insGCATGGTACTGGTACCAAAACAGAGATATAGATCAATGGAACAGAACAGAGCCCTCAGAAATANNNNNNNNNNAAAAAAAAAAAAAAAAAAAAAAAAGAATGTGCTGTTTTCA, p.His140fs (NM_001276289.2, NM_001276290.1, NM_001278433.2 and 4 more transcripts); short protein forms H140fs.
Identifiers: ClinVar variation 4718332 (VCV004718332.1).